The following is an entry in ClinVar:

ClinVar aggregate classification (germline): Uncertain significance (1 of 4 stars; one submission).

Conditions:
Ulnar-mammary syndrome (UMS). Also called: SCHINZEL SYNDROME; Ulnar-mammary syndrome of Pallister; PALLISTER ULNAR-MAMMARY SYNDROME. Identifiers: Orphanet 3138, MedGen C1866994, MONDO:0008411, OMIM 181450.

Submission:

Labcorp Genetics (formerly Invitae), Labcorp
Classification: Uncertain significance for Ulnar-mammary syndrome. Last evaluated: 2025-10-02. Review status: criteria provided, single submitter. Criteria: Invitae Variant Classification Sherloc (09022015). Collection method: clinical testing. Allele origin: germline.
Comment: This sequence change replaces proline, which is neutral and non-polar, with serine, which is neutral and polar, at codon 413 of the TBX3 protein (p.Pro413Ser). Information on the frequency of this variant in the gnomAD database is not available, as this variant may be reported differently in the database. This variant has not been reported in the literature in individuals affected with TBX3-related conditions. ClinVar contains an entry for this variant (Variation ID: 3683197). Experimental studies and prediction algorithms are not available or were not evaluated, and the functional significance of this variant is currently unknown. In summary, the available evidence is currently insufficient to determine the role of this variant in disease. Therefore, it has been classified as a Variant of Uncertain Significance.

NM_005996.4(TBX3):c.1236_1237delinsTT (p.Pro413Ser)

Gene: TBX3 (T-box transcription factor 3; minus strand). Cytogenetic location: 12q24.21.
Variant type: Indel.
Coding change: c.1236_1237delinsTT on transcript NM_005996.4 (MANE Select); coding-DNA positions 1236 to 1237, GC replaced by TT.
Protein change: p.Pro413Ser; replaces proline 413 with serine.
Molecular consequence: missense variant.
Genome position (GRCh38, 1-based): chr12:114,674,638-114,674,639, GC replaced by AA on the plus strand (GC replaced by TT on the coding strand, the reverse complement: TBX3 is on the minus strand). VCF-style: chr12-114674638-GC-AA. GRCh37 (hg19) VCF-style: chr12-115112443-GC-AA.
Other names: c.1296_1297delinsTT, p.Pro433Ser (NM_016569.4); short protein forms P413S, P433S.
Identifiers: ClinVar variation 3683197 (VCV003683197.2).